The following is an entry in ClinVar:

ClinVar aggregate classification (germline): Likely benign. Review status: criteria provided, multiple submitters, no conflicts (2 of 4 stars). 2 submissions from 2 submitters: Likely benign (2). Last evaluated 2024-04-10.

Conditions:
Developmental and epileptic encephalopathy, 14 (DEE14). Also called: Early infantile epileptic encephalopathy 14. Identifiers: Orphanet 293181, MedGen C3554195, MONDO:0013989, OMIM 614959.
Autosomal dominant nocturnal frontal lobe epilepsy 5. Also called: CILIARY DYSKINESIA, PRIMARY, 28, WITHOUT SITUS INVERSUS; CILIARY DYSKINESIA, PRIMARY, 28, WITH SITUS INVERSUS; Epilepsy, nocturnal frontal lobe, 5; KCNT1-Related Epilepsy. Identifiers: Orphanet 98784, MedGen C3554306, MONDO:0014002, OMIM 615005.

Allele frequency attached by ClinVar (database versions not stated): TOPMed 0.00002; ESP Exome Variant Server 0.00008.
gnomAD v4.1: 41 of 1,609,820 alleles (0.0025%); highest among the groups gnomAD compares: Non-Finnish European, 0.0026%; no homozygotes.

Submissions (2):

Labcorp Genetics (formerly Invitae), Labcorp
Classification: Likely benign for Autosomal dominant nocturnal frontal lobe epilepsy 5; Developmental and epileptic encephalopathy, 14. Last evaluated: 2024-04-10. Review status: criteria provided, single submitter. Criteria: Invitae Variant Classification Sherloc (09022015). Collection method: clinical testing. Allele origin: germline.

CeGaT Center for Human Genetics Tuebingen
Classification: Likely benign. Last evaluated: 2023-09-01. Review status: criteria provided, single submitter. Criteria: CeGaT Center For Human Genetics Tuebingen Variant Classification Criteria Version 2. Collection method: clinical testing. Allele origin: germline. Affected: yes. Observed: 1 variant allele.
Comment: KCNT1: BP4, BP7

NM_020822.3(KCNT1):c.2280C>T (p.Ile760=)

Gene: KCNT1 (potassium sodium-activated channel subfamily T member 1; plus strand). Cytogenetic location: 9q34.3.
Variant type: single nucleotide variant.
Coding change: c.2280C>T on transcript NM_020822.3 (MANE Select); coding-DNA position 2280, C replaced by T.
Protein change: p.Ile760=; no amino-acid change (isoleucine 760 retained).
Molecular consequence: synonymous variant.
Genome position (GRCh38, 1-based): chr9:135,775,346, C>T. VCF-style: chr9-135775346-C-T. GRCh37 (hg19) VCF-style: chr9-138667192-C-T.
Other names: c.2145C>T, p.Ile715= (NM_001272003.2).
Identifiers: ClinVar variation 699585 (VCV000699585.33), dbSNP rs370521183, ClinGen allele CA5327247.
Genomic context (GRCh38, chr9:135,775,346, plus strand): 5'-GAGGGCTCCTGTCTCCTGCCCCAGGTATGTGAAGGGCTACCCTCCCAACTCGCCCTACAT[C>T]GGCAGCTCCCCAACCCTGTGCCACCTCCTGCCTGTGAAAGCCCCCTTCTGCTGCCTGCGG-3'
Protein context (NP_065873.2, residues 750-770): VKGYPPNSPY[Ile760=]GSSPTLCHLL